The following is an entry in ClinVar:

ClinVar aggregate classification (germline): Uncertain significance (1 of 4 stars; one submission).

Conditions:
Hereditary cancer-predisposing syndrome. Also called: Neoplastic Syndromes, Hereditary; Tumor predisposition; Hereditary Cancer Syndrome; Hereditary neoplastic syndrome. Identifiers: Orphanet 140162, MedGen C0027672, MeSH D009386, MONDO:0015356.

Submission:

Ambry Genetics
Classification: Uncertain significance for Hereditary cancer-predisposing syndrome. Last evaluated: 2016-12-02. Review status: criteria provided, single submitter. Criteria: Ambry Variant Classification Scheme 2023. Collection method: clinical testing. Allele origin: germline.
Comment: The p.S2137F variant (also known as c.6410C>T), located in coding exon 15 of the APC gene, results from a C to T substitution at nucleotide position 6410. The serine at codon 2137 is replaced by phenylalanine, an amino acid with highly dissimilar properties. This amino acid position is highly conserved in available vertebrate species. In addition, in silico predictors for this gene do not accurately predict pathogenicity. Since supporting evidence is limited at this time, the clinical significance of this alteration remains unclear.

NM_000038.6(APC):c.6410C>T (p.Ser2137Phe)

Gene: APC (APC regulator of Wnt signaling pathway; plus strand). Cytogenetic location: 5q22.2.
Variant type: single nucleotide variant.
Coding change: c.6410C>T on transcript NM_000038.6 (MANE Select); coding-DNA position 6410, C replaced by T.
Protein change: p.Ser2137Phe; replaces serine 2137 with phenylalanine.
Molecular consequence: missense variant.
Genome position (GRCh38, 1-based): chr5:112,842,004, C>T. VCF-style: chr5-112842004-C-T. GRCh37 (hg19) VCF-style: chr5-112177701-C-T.
Other names: c.6410C>T, p.Ser2137Phe (NM_001127510.3, NM_001354895.2); c.6356C>T, p.Ser2119Phe (NM_001127511.3); c.6464C>T, p.Ser2155Phe (NM_001354896.2); c.6440C>T, p.Ser2147Phe (NM_001354897.2); c.6335C>T, p.Ser2112Phe (NM_001354898.2); c.6326C>T, p.Ser2109Phe (NM_001354899.2); c.6287C>T, p.Ser2096Phe (NM_001354900.2); c.6233C>T, p.Ser2078Phe (NM_001354901.2); and 5 more; short protein forms S2119F, S2137F, S1854F, S2036F, S2147F, S1977F, S2046F, S2096F.
Identifiers: ClinVar variation 485145 (VCV000485145.5), dbSNP rs1554087411, ClinGen allele CA16035366.